The following is an entry in ClinVar:

ClinVar aggregate classification (germline): Conflicting classifications of pathogenicity. Review status: criteria provided, conflicting classifications (1 of 4 stars). 2 submissions from 2 submitters: Uncertain significance (1); Likely benign (1). Last evaluated 2025-12-02.

Allele frequency attached by ClinVar (database versions not stated): gnomAD 0.00006 and 0.00020; TOPMed 0.00007; 1000 Genomes Project 0.00060; 1000 Genomes Project 30x 0.00062; ExAC 0.00062; gnomAD exomes 0.00062.
gnomAD v4.1: 601 of 1,613,058 alleles (0.037%); highest among the groups gnomAD compares: South Asian, 0.54%; 6 homozygotes.

Submissions (2):

Labcorp Genetics (formerly Invitae), Labcorp
Classification: Likely benign. Last evaluated: 2025-12-02. Review status: criteria provided, single submitter. Criteria: Invitae Variant Classification Sherloc (09022015). Collection method: clinical testing. Allele origin: germline.

GeneDx
Classification: Uncertain significance. Last evaluated: 2016-03-01. Review status: criteria provided, single submitter. Criteria: GeneDx Variant Classification (06012015). Collection method: clinical testing. Allele origin: germline. Affected: yes.
Comment: The P655Q variant in the C2CD3 gene has not been reported previously as a pathogenic variant, nor as a benign variant, to our knowledge. The P655Q variant was not observed in approximately 6500 individuals of European and African American ancestry in the NHLBI Exome Sequencing Project, indicating it is not a common benign variant in these populations. The P655Q variant is a non-conservative amino acid substitution, which is likely to impact secondary protein structure as these residues differ in polarity, charge, size and/or other properties. This substitution occurs at a position that is conserved across species. In silico analysis predicts this variant is probably damaging to the protein structure/function. Therefore, we interpret P655Q as a variant of uncertain significance.

NM_001286577.2(C2CD3):c.1964C>A (p.Pro655Gln)

Gene: C2CD3 (C2 domain containing 3 centriole elongation regulator; minus strand). Cytogenetic location: 11q13.4.
Variant type: single nucleotide variant.
Coding change: c.1964C>A on transcript NM_001286577.2 (MANE Select); coding-DNA position 1964, C replaced by A.
Protein change: p.Pro655Gln; replaces proline 655 with glutamine.
Molecular consequence: missense variant.
Genome position (GRCh38, 1-based): chr11:74,106,492, G>T on the plus strand (C>A on the coding strand, the complement: C2CD3 is on the minus strand). VCF-style: chr11-74106492-G-T. GRCh37 (hg19) VCF-style: chr11-73817537-G-T.
Other names: c.1964C>A, p.Pro655Gln (NM_015531.6); short protein forms P655Q.
Identifiers: ClinVar variation 384435 (VCV000384435.13), dbSNP rs555646012, ClinGen allele CA6182751.
Genomic context (GRCh38, chr11:74,106,492, plus strand): 5'-GAAAGCAGCTCTGATTGAATGACAGCTCGCAAAGAAAGTGACACAGATCCAATGACTTCT[G>T]GCTGAGAAAGAAGGAAAGAGAACATTTAGATTAATTAAAGAGAAGCCACAGGTGATCTTA-3'
Protein context (NP_001273506.1, residues 645-665): IYVKKTPQKK[Pro655Gln]EVIGSVSLSL